The following is an entry in ClinVar:

ClinVar aggregate classification (germline): Likely benign. Review status: criteria provided, multiple submitters, no conflicts (2 of 4 stars). 2 submissions from 2 submitters: Likely benign (2). Last evaluated 2026-07-14.

Conditions:
MASTL-related disorder. Also called: MASTL-related condition.

gnomAD v4.1: 31 of 1,614,180 alleles (0.0019%); highest among the groups gnomAD compares: Middle Eastern, 0.016%; no homozygotes.

Submissions (2):

PreventionGenetics, part of Exact Sciences
Classification: Likely benign for MASTL-related condition. Last evaluated: 2026-07-14. Review status: criteria provided, single submitter. Criteria: ACMG Guidelines, 2015. Collection method: clinical testing. Allele origin: germline.
Comment: This variant is classified as likely benign based on ACMG/AMP sequence variant interpretation guidelines (Richards et al. 2015 PMID: 25741868, with internal and published modifications).

Blueprint Genetics
Classification: Likely benign. Last evaluated: 2024-10-31. Review status: criteria provided, single submitter. Criteria: ACMG Guidelines, 2015. Collection method: clinical testing. Allele origin: germline.

NM_001172303.3(MASTL):c.1479A>G (p.Leu493=)

Gene: MASTL (microtubule associated serine/threonine kinase like; plus strand). Cytogenetic location: 10p12.1.
Variant type: single nucleotide variant.
Coding change: c.1479A>G on transcript NM_001172303.3 (MANE Select); coding-DNA position 1479, A replaced by G.
Protein change: p.Leu493=; no amino-acid change (leucine 493 retained).
Molecular consequence: synonymous variant. On other transcripts: non-coding transcript variant (1).
Genome position (GRCh38, 1-based): chr10:27,170,438, A>G. VCF-style: chr10-27170438-A-G. GRCh37 (hg19) VCF-style: chr10-27459367-A-G.
Other names: c.1479A>G, p.Leu493= (NM_001320756.2, NM_001320757.2, NM_032844.5 and 1 more transcripts); c.996A>G, p.Leu332= (NM_001372029.1, NM_001372030.1); c.1479A>G (NM_032844.4).
Identifiers: ClinVar variation 4906909 (VCV004906909.2).